The following is an entry in ClinVar:

NM_000195.5(HPS1):c.878G>A (p.Ser293Asn)

Gene: HPS1 (HPS1 biogenesis of lysosomal organelles complex 3 subunit 1; minus strand). Cytogenetic location: 10q24.2.
Variant type: single nucleotide variant.
Coding change: c.878G>A on transcript NM_000195.5 (MANE Select); coding-DNA position 878, G replaced by A.
Protein change: p.Ser293Asn; replaces serine 293 with asparagine.
Molecular consequence: missense variant. On other transcripts: 5 prime UTR variant (3).
Genome position (GRCh38, 1-based): chr10:98,429,632, C>T on the plus strand (G>A on the coding strand, the complement: HPS1 is on the minus strand). VCF-style: chr10-98429632-C-T. GRCh37 (hg19) VCF-style: chr10-100189389-C-T.
Other names: c.-95G>A (NM_001311345.2, NM_001322487.2, NM_001322489.2); c.878G>A, p.Ser293Asn (NM_001322476.2, NM_001322477.2, NM_182639.4); c.779G>A, p.Ser260Asn (NM_001322478.2, NM_001322479.2, NM_001322491.2); c.617G>A, p.Ser206Asn (NM_001322480.2, NM_001322481.2); c.518G>A, p.Ser173Asn (NM_001322482.2); c.509G>A, p.Ser170Asn (NM_001322483.2, NM_001322484.2); c.410G>A, p.Ser137Asn (NM_001322485.2); c.760G>A, p.Ala254Thr (NM_001322490.2); and 1 more; short protein forms A221T, S170N, S293N, S137N, S206N, S260N, A254T, S173N.
Identifiers: ClinVar variation 1995242 (VCV001995242.4), dbSNP rs2538898655, ClinGen allele CA378051284.

ClinVar aggregate classification (germline): Uncertain significance (1 of 4 stars; one submission).

Submission:

Labcorp Genetics (formerly Invitae), Labcorp
Classification: Uncertain significance. Last evaluated: 2022-05-16. Review status: criteria provided, single submitter. Criteria: Invitae Variant Classification Sherloc (09022015). Collection method: clinical testing. Allele origin: germline.
Comment: This variant is not present in population databases (gnomAD no frequency). This variant has not been reported in the literature in individuals affected with HPS1-related conditions. This sequence change replaces serine, which is neutral and polar, with asparagine, which is neutral and polar, at codon 293 of the HPS1 protein (p.Ser293Asn). In summary, the available evidence is currently insufficient to determine the role of this variant in disease. Therefore, it has been classified as a Variant of Uncertain Significance. Algorithms developed to predict the effect of missense changes on protein structure and function output the following: SIFT: "Tolerated"; PolyPhen-2: "Benign"; Align-GVGD: "Class C0". The asparagine amino acid residue is found in multiple mammalian species, which suggests that this missense change does not adversely affect protein function.